The following is an entry in ClinVar:

ClinVar aggregate classification (germline): Uncertain significance (1 of 4 stars; one submission).

Conditions:
Hypertrophic cardiomyopathy 14. Identifiers: MedGen C2750467, MONDO:0013197, OMIM 613251.

Submission:

Labcorp Genetics (formerly Invitae), Labcorp
Classification: Uncertain significance for Hypertrophic cardiomyopathy 14. Last evaluated: 2022-06-10. Review status: criteria provided, single submitter. Criteria: Invitae Variant Classification Sherloc (09022015). Collection method: clinical testing. Allele origin: germline.
Comment: In summary, the available evidence is currently insufficient to determine the role of this variant in disease. Therefore, it has been classified as a Variant of Uncertain Significance. Algorithms developed to predict the effect of missense changes on protein structure and function are either unavailable or do not agree on the potential impact of this missense change (SIFT: "Deleterious"; PolyPhen-2: "Possibly Damaging"; Align-GVGD: "Class C0"). This variant has not been reported in the literature in individuals affected with MYH6-related conditions. This variant is not present in population databases (gnomAD no frequency). This sequence change replaces alanine, which is neutral and non-polar, with aspartic acid, which is acidic and polar, at codon 150 of the MYH6 protein (p.Ala150Asp).

NM_002471.4(MYH6):c.449C>A (p.Ala150Asp)

Genes: MYH6 (myosin heavy chain 6; minus strand), LOC114827851 (VISTA enhancer hs2155; plus strand). Cytogenetic location: 14q11.2.
Variant type: single nucleotide variant.
Coding change: c.449C>A on transcript NM_002471.4 (MANE Select); coding-DNA position 449, C replaced by A.
Protein change: p.Ala150Asp; replaces alanine 150 with aspartic acid.
Molecular consequence: missense variant.
Genome position (GRCh38, 1-based): chr14:23,405,276, G>T on the plus strand (C>A on the coding strand, the complement: MYH6 is on the minus strand). VCF-style: chr14-23405276-G-T. GRCh37 (hg19) VCF-style: chr14-23874485-G-T.
Other names: short protein forms A150D.
Identifiers: ClinVar variation 1511649 (VCV001511649.8), dbSNP rs879175179, ClinGen allele CA389030857.
Genomic context (GRCh38, chr14:23,405,276, plus strand): 5'-GGCTCACCTGTCAGCATGTACTGATAGGCGTTGTCGGAGATGGAGAAGATGTGGGGCGGG[G>T]CCTCACTCCTCTTCTTGCCCCGGTAGGCGGCCACCACCTCGGCATTGTACACCGGCAGCC-3'
Protein context (NP_002462.2, residues 140-160): AAYRGKKRSE[Ala150Asp]PPHIFSISDN